The following is an entry in ClinVar:

ClinVar aggregate classification (germline): Pathogenic (1 of 4 stars; one submission).

Conditions:
Aortic valve disease 2 (AOVD2). Identifiers: MedGen C3542024, MONDO:0013902, OMIM 614823.

Submission:

Labcorp Genetics (formerly Invitae), Labcorp
Classification: Pathogenic for Aortic valve disease 2. Last evaluated: 2020-12-15. Review status: criteria provided, single submitter. Criteria: Invitae Variant Classification Sherloc (09022015). Collection method: clinical testing. Allele origin: germline.
Comment: This sequence change replaces phenylalanine with leucine at codon 84 of the TBX5 protein (p.Phe84Leu). The phenylalanine residue is highly conserved and there is a small physicochemical difference between phenylalanine and leucine. This variant is not present in population databases (ExAC no frequency). This variant has been observed in individual(s) with clinical features of Holt-Oram syndrome (Invitae). In at least one individual the variant was observed to be de novo. Advanced modeling of protein sequence and biophysical properties (such as structural, functional, and spatial information, amino acid conservation, physicochemical variation, residue mobility, and thermodynamic stability) performed at Invitae indicates that this missense variant is expected to disrupt TBX5 protein function. For these reasons, this variant has been classified as Pathogenic.

NM_181486.4(TBX5):c.252T>A (p.Phe84Leu)

Gene: TBX5 (T-box transcription factor 5; minus strand). Cytogenetic location: 12q24.21.
Variant type: single nucleotide variant.
Coding change: c.252T>A on transcript NM_181486.4 (MANE Select); coding-DNA position 252, T replaced by A.
Protein change: p.Phe84Leu; replaces phenylalanine 84 with leucine.
Molecular consequence: missense variant.
Genome position (GRCh38, 1-based): chr12:114,399,623, A>T on the plus strand (T>A on the coding strand, the complement: TBX5 is on the minus strand). VCF-style: chr12-114399623-A-T. GRCh37 (hg19) VCF-style: chr12-114837428-A-T.
Other names: c.252T>A, p.Phe84Leu (NM_000192.3); c.102T>A, p.Phe34Leu (NM_080717.4); short protein forms F34L, F84L.
Identifiers: ClinVar variation 1062314 (VCV001062314.9), dbSNP rs2136418265, ClinGen allele CA386862910.